The following is an entry in ClinVar:

NM_000466.3(PEX1):c.3369C>T (p.Phe1123=)

Genes: GATAD1 (GATA zinc finger domain containing 1; plus strand), PEX1 (peroxisomal biogenesis factor 1; minus strand). Cytogenetic location: 7q21.2.
Variant type: single nucleotide variant.
Coding change: c.3369C>T on transcript NM_000466.3 (MANE Select); coding-DNA position 3369, C replaced by T.
Protein change: p.Phe1123=; no amino-acid change (phenylalanine 1123 retained).
Molecular consequence: synonymous variant.
Genome position (GRCh38, 1-based): chr7:92,491,341, G>A on the plus strand (C>T on the coding strand, the complement: PEX1 is on the minus strand). VCF-style: chr7-92491341-G-A. GRCh37 (hg19) VCF-style: chr7-92120655-G-A.
Other names: c.3369C>T (NM_000466.2); c.3198C>T, p.Phe1066= (NM_001282677.2); c.2745C>T, p.Phe915= (NM_001282678.2).
Identifiers: ClinVar variation 1144092 (VCV001144092.10), dbSNP rs773621481, ClinGen allele CA4340847.

ClinVar aggregate classification (germline): Likely benign. Review status: criteria provided, multiple submitters, no conflicts (2 of 4 stars). 2 submissions from 2 submitters: Likely benign (2). Last evaluated 2026-01-09.

Conditions:
PEX1-related disorder. Also called: PEX1-related condition.
Zellweger spectrum disorders (ZS). Also called: Zellweger syndrome; Zellweger Spectrum Disorder; Zellweger Spectrum; Zellweger Spectrum Disorder (ZSD). Identifiers: Orphanet 912, MedGen C0043459, MONDO:0019609.

Allele frequency attached by ClinVar (database versions not stated): gnomAD exomes below 0.00001; ExAC 0.00001; gnomAD 0.00001; TOPMed 0.00001.
gnomAD v4.1: 5 of 1,613,842 alleles (0.00031%); highest among the groups gnomAD compares: Non-Finnish European, 0.00042%; no homozygotes.

Submissions (2):

Labcorp Genetics (formerly Invitae), Labcorp
Classification: Likely benign for Zellweger spectrum disorders. Last evaluated: 2026-01-09. Review status: criteria provided, single submitter. Criteria: Invitae Variant Classification Sherloc (09022015). Collection method: clinical testing. Allele origin: germline.

PreventionGenetics, part of Exact Sciences
Classification: Likely benign for PEX1-related condition. Last evaluated: 2025-08-02. Review status: criteria provided, single submitter. Criteria: ACMG Guidelines, 2015. Collection method: clinical testing. Allele origin: germline.
Comment: This variant is classified as likely benign based on ACMG/AMP sequence variant interpretation guidelines (Richards et al. 2015 PMID: 25741868, with internal and published modifications).